The following is an entry in ClinVar:

ClinVar aggregate classification (germline): Conflicting classifications of pathogenicity. Review status: criteria provided, conflicting classifications (1 of 4 stars). 4 submissions from 4 submitters: Uncertain significance (3); Likely benign (1). Last evaluated 2025-09-27.

Conditions:
Inborn genetic diseases. Identifiers: MedGen C0950123, MeSH D030342.
Ullrich congenital muscular dystrophy 2 (UCMD2). Identifiers: Orphanet 75840, MedGen C4225314, MONDO:0014654, OMIM 616470.
Bethlem myopathy 2 (BTHLM2). Identifiers: Orphanet 536516, Orphanet 610, MedGen C4225313, MONDO:0034022, OMIM 616471.
Bartter disease type 4B. Also called: BARTTER SYNDROME, TYPE 4B; BARTTER SYNDROME, TYPE 4B, NEONATAL, WITH SENSORINEURAL DEAFNESS; Bartter syndrome, type 4b, digenic. Identifiers: Orphanet 112, MedGen C4310805, MONDO:0000909, OMIM 613090.

Allele frequency attached by ClinVar (database versions not stated): gnomAD 0.00001 and 0.00003; TOPMed 0.00002; gnomAD exomes 0.00003 and 0.00007; ExAC 0.00007.
gnomAD v4.1: 42 of 1,613,444 alleles (0.0026%); highest among the groups gnomAD compares: South Asian, 0.042%; no homozygotes.

Submissions (4):

Labcorp Genetics (formerly Invitae), Labcorp
Classification: Likely benign for Bethlem myopathy 2; Ullrich congenital muscular dystrophy 2. Last evaluated: 2025-09-27. Review status: criteria provided, single submitter. Criteria: Invitae Variant Classification Sherloc (09022015). Collection method: clinical testing. Allele origin: germline.

Ambry Genetics
Classification: Uncertain significance for Inborn genetic diseases. Last evaluated: 2025-08-14. Review status: criteria provided, single submitter. Criteria: Ambry Variant Classification Scheme 2023. Collection method: clinical testing. Allele origin: germline.

Women's Health and Genetics/Laboratory Corporation of America, LabCorp
Classification: Uncertain significance. Last evaluated: 2025-06-02. Review status: criteria provided, single submitter. Criteria: LabCorp Variant Classification Summary - May 2015. Collection method: clinical testing. Allele origin: germline.
Comment: Variant summary: COL12A1 c.515T>C (p.Ile172Thr) results in a non-conservative amino acid change in the encoded protein sequence. Algorithms developed to predict the effect of missense changes on protein structure and function are either unavailable or do not agree on the potential impact of this missense change. The variant allele was found at a frequency of 6.8e-05 in 249156 control chromosomes. This frequency is not significantly higher than estimated for a pathogenic variant in COL12A1 causing Ullrich congenital muscular dystrophy 2 (6.8e-05 vs 0.0035), allowing no conclusion about variant significance. To our knowledge, no occurrence of c.515T>C in individuals affected with Ullrich congenital muscular dystrophy 2 and no experimental evidence demonstrating its impact on protein function have been reported. ClinVar contains an entry for this variant (Variation ID: 1353132). Based on the evidence outlined above, the variant was classified as uncertain significance.

Johns Hopkins Genomics, Johns Hopkins University
Classification: Uncertain significance for Bartter disease type 4B. Last evaluated: 2024-11-25. Review status: criteria provided, single submitter. Criteria: ACMG Guidelines, 2015. Collection method: clinical testing. Allele origin: germline.
Comment: This COL12A1 missense variant (rs780886772) is rare (<0.1%) in a large population dataset (gnomAD V.4.1.0 42/1613444 total alleles, 0.003%, 0 homozygotes) and has been reported in ClinVar (Variation ID: 1353132). Of two bioinformatic tools queried, one predicts that this substitution would be damaging to the protein while the other one predicts the variant would be likely tolerated. The isoleucine residue is evolutionary conserved across most of the species assessed however a threonine residue is present at this position in one species. We consider the clinical significance of c.515T>C in COL12A1 to be uncertain at this time.

NM_004370.6(COL12A1):c.515T>C (p.Ile172Thr)

Gene: COL12A1 (collagen type XII alpha 1 chain; minus strand). Cytogenetic location: 6q13.
Variant type: single nucleotide variant.
Coding change: c.515T>C on transcript NM_004370.6 (MANE Select); coding-DNA position 515, T replaced by C.
Protein change: p.Ile172Thr; replaces isoleucine 172 with threonine.
Molecular consequence: missense variant. On other transcripts: intron variant (1).
Genome position (GRCh38, 1-based): chr6:75,189,695, A>G on the plus strand (T>C on the coding strand, the complement: COL12A1 is on the minus strand). VCF-style: chr6-75189695-A-G. GRCh37 (hg19) VCF-style: chr6-75899411-A-G.
Other names: c.73+13025T>C (NM_080645.3); c.515T>C (NM_004370.5); short protein forms I172T.
Identifiers: ClinVar variation 1353132 (VCV001353132.11), dbSNP rs780886772, ClinGen allele CA3894409.
Genomic context (GRCh38, chr6:75,189,695, plus strand): 5'-AATTCAGTCCTGGTATCAGAGCTGTATTGAACAACTCCAACTCTTGTCTTCTCTTCCCCA[A>G]TGTCAAAAGCAGACACAAGAGCAGCAATGAAGTCTAAAATGTACTTGAAATTATTTCTTC-3'
Protein context (NP_004361.3, residues 162-182): FIAALVSAFD[Ile172Thr]GEEKTRVGVV